The following is an entry in ClinVar:

ClinVar aggregate classification (germline): Uncertain significance. Review status: criteria provided, multiple submitters, no conflicts (2 of 4 stars). 2 submissions from 2 submitters: Uncertain significance (2). Last evaluated 2024-09-11.

Conditions:
Inborn genetic diseases. Identifiers: MedGen C0950123, MeSH D030342.

Allele frequency attached by ClinVar (database versions not stated): gnomAD 0.00001; ExAC 0.00002; TOPMed 0.00002.
gnomAD v4.1: 18 of 1,611,168 alleles (0.0011%); highest among the groups gnomAD compares: South Asian, 0.0055%; no homozygotes.

Submissions (2):

Ambry Genetics
Classification: Uncertain significance for Inborn genetic diseases. Last evaluated: 2024-09-11. Review status: criteria provided, single submitter. Criteria: Ambry Variant Classification Scheme 2023. Collection method: clinical testing. Allele origin: germline.

Labcorp Genetics (formerly Invitae), Labcorp
Classification: Uncertain significance. Last evaluated: 2022-09-07. Review status: criteria provided, single submitter. Criteria: Invitae Variant Classification Sherloc (09022015). Collection method: clinical testing. Allele origin: germline.
Comment: This variant has not been reported in the literature in individuals affected with TRMT10A-related conditions. This variant is present in population databases (rs775920482, gnomAD 0.007%). This sequence change replaces arginine, which is basic and polar, with histidine, which is basic and polar, at codon 61 of the TRMT10A protein (p.Arg61His). Algorithms developed to predict the effect of missense changes on protein structure and function are either unavailable or do not agree on the potential impact of this missense change (SIFT: "Deleterious"; PolyPhen-2: "Probably Damaging"; Align-GVGD: "Class C0"). In summary, the available evidence is currently insufficient to determine the role of this variant in disease. Therefore, it has been classified as a Variant of Uncertain Significance.

NM_001134665.3(TRMT10A):c.182G>A (p.Arg61His)

Gene: TRMT10A (tRNA methyltransferase 10A; minus strand). Cytogenetic location: 4q23.
Variant type: single nucleotide variant.
Coding change: c.182G>A on transcript NM_001134665.3 (MANE Select); coding-DNA position 182, G replaced by A.
Protein change: p.Arg61His; replaces arginine 61 with histidine.
Molecular consequence: missense variant.
Genome position (GRCh38, 1-based): chr4:99,559,157, C>T on the plus strand (G>A on the coding strand, the complement: TRMT10A is on the minus strand). VCF-style: chr4-99559157-C-T. GRCh37 (hg19) VCF-style: chr4-100480314-C-T.
Other names: c.182G>A, p.Arg61His (NM_001134666.3, NM_001375880.1, NM_001375881.1 and 2 more transcripts); c.182G>A (NM_152292.4); short protein forms R61H.
Identifiers: ClinVar variation 2194217 (VCV002194217.3), dbSNP rs775920482, ClinGen allele CA3021624.